The following is an entry in ClinVar:

ClinVar aggregate classification (germline): Conflicting classifications of pathogenicity. Review status: criteria provided, conflicting classifications (1 of 4 stars). 2 submissions from 2 submitters: Uncertain significance (1); Likely benign (1). Last evaluated 2024-01-15.

Conditions:
Hypogonadotropic hypogonadism 3 with or without anosmia (HH3). Also called: HYPOGONADOTROPIC HYPOGONADISM 3 WITH ANOSMIA; PROKR2-Related GnRH Deficiency (Kallmann Syndrome 3). Identifiers: Orphanet 478, MedGen C3550478, MONDO:0009482, OMIM 244200.

Allele frequency attached by ClinVar (database versions not stated): gnomAD below 0.00001 and 0.00004; gnomAD exomes 0.00005; ExAC 0.00007; 1000 Genomes Project 30x 0.00078; 1000 Genomes Project 0.00100.
gnomAD v4.1: 37 of 1,614,194 alleles (0.0023%); highest among the groups gnomAD compares: South Asian, 0.04%; 1 homozygote.

Submissions (2):

Fulgent Genetics
Classification: Uncertain significance for Hypogonadotropic hypogonadism 3 with or without anosmia. Last evaluated: 2024-01-15. Review status: criteria provided, single submitter. Criteria: ACMG Guidelines, 2015. Collection method: clinical testing. Allele origin: germline.

Illumina Laboratory Services, Illumina
Classification: Likely benign for Hypogonadotropic hypogonadism 3 with or without anosmia. Last evaluated: 2018-01-13. Review status: criteria provided, single submitter. Criteria: ICSL Variant Classification Criteria 13 December 2019. Collection method: clinical testing. Allele origin: germline.
Comment: This variant was observed in the ICSL laboratory as part of a predisposition screen in an ostensibly healthy population. It had not been previously curated by ICSL or reported in the Human Gene Mutation Database (HGMD: prior to June 1st, 2018), and was therefore a candidate for classification through an automated scoring system. Utilizing variant allele frequency, disease prevalence and penetrance estimates, and inheritance mode, an automated score was calculated to assess if this variant is too frequent to cause the disease. Based on the score and internal cut-off values, a variant classified as likely benign is not then subjected to further curation. The score for this variant resulted in a classification of likely benign for this disease.

NM_144773.4(PROKR2):c.538G>A (p.Val180Met)

Gene: PROKR2 (prokineticin receptor 2; minus strand). Cytogenetic location: 20p12.3.
Variant type: single nucleotide variant.
Coding change: c.538G>A on transcript NM_144773.4 (MANE Select); coding-DNA position 538, G replaced by A.
Protein change: p.Val180Met; replaces valine 180 with methionine.
Molecular consequence: missense variant.
Genome position (GRCh38, 1-based): chr20:5,302,657, C>T on the plus strand (G>A on the coding strand, the complement: PROKR2 is on the minus strand). VCF-style: chr20-5302657-C-T. GRCh37 (hg19) VCF-style: chr20-5283303-C-T.
Other names: short protein forms V180M.
Identifiers: ClinVar variation 897564 (VCV000897564.5), dbSNP rs543677594, ClinGen allele CA9754320.